The following is an entry in ClinVar:

ClinVar aggregate classification (germline): Uncertain significance (1 of 4 stars; one submission).

Allele frequency attached by ClinVar (database versions not stated): gnomAD exomes 0.00001; TOPMed 0.00003.
gnomAD v4.1: 19 of 1,514,106 alleles (0.0013%); highest among the groups gnomAD compares: Non-Finnish European, 0.0016%; no homozygotes.

Submission:

Labcorp Genetics (formerly Invitae), Labcorp
Classification: Uncertain significance. Last evaluated: 2022-09-01. Review status: criteria provided, single submitter. Criteria: Invitae Variant Classification Sherloc (09022015). Collection method: clinical testing. Allele origin: germline.
Comment: This sequence change replaces arginine, which is basic and polar, with cysteine, which is neutral and slightly polar, at codon 52 of the NSMCE3 protein (p.Arg52Cys). This variant is not present in population databases (gnomAD no frequency). This variant has not been reported in the literature in individuals affected with NSMCE3-related conditions. ClinVar contains an entry for this variant (Variation ID: 1421495). Algorithms developed to predict the effect of missense changes on protein structure and function are either unavailable or do not agree on the potential impact of this missense change (SIFT: "Tolerated"; PolyPhen-2: "Possibly Damaging"; Align-GVGD: "Class C0"). In summary, the available evidence is currently insufficient to determine the role of this variant in disease. Therefore, it has been classified as a Variant of Uncertain Significance.

NM_138704.4(NSMCE3):c.154C>T (p.Arg52Cys)

Genes: ENTREP2 (endosomal transmembrane epsin interactor 2; minus strand), NSMCE3 (NSE3 homolog, SMC5-SMC6 complex component; minus strand). Cytogenetic location: 15q13.1.
Variant type: single nucleotide variant.
Coding change: c.154C>T on transcript NM_138704.4 (MANE Select); coding-DNA position 154, C replaced by T.
Protein change: p.Arg52Cys; replaces arginine 52 with cysteine.
Molecular consequence: missense variant. On other transcripts: intron variant (5).
Genome position (GRCh38, 1-based): chr15:29,269,552, G>A on the plus strand (C>T on the coding strand, the complement: NSMCE3 is on the minus strand). VCF-style: chr15-29269552-G-A. GRCh37 (hg19) VCF-style: chr15-29561756-G-A.
Other names: c.-12-17074C>T (NM_001387217.1, NM_001387215.1, NM_001387216.1); c.277-17074C>T (NM_001387214.1, NM_015307.2); short protein forms R52C.
Identifiers: ClinVar variation 1421495 (VCV001421495.3), dbSNP rs1470594273, ClinGen allele CA391484813.
Genomic context (GRCh38, chr15:29,269,552, plus strand): 5'-GGGCCCGGCGGGCGCCCTGAGGCGAGGGGCCCTGCGACCCCTGCGAGCCGCCCGGCCCGC[G>A]GGACGTGCTCGGGGCCTCCTCGGCAAAGCCGTCTCTGAGAACCCGGGCGTCTTCCCCGGC-3'
Protein context (NP_619649.1, residues 42-62): GFAEEAPSTS[Arg52Cys]GPGGSQGSQG